The following is an entry in ClinVar:

NM_000051.4(ATM):c.9024T>C (p.Arg3008=)

Genes: ATM (ATM serine/threonine kinase; plus strand), C11orf65 (chromosome 11 open reading frame 65; minus strand). Cytogenetic location: 11q22.3.
Variant type: single nucleotide variant.
Coding change: c.9024T>C on transcript NM_000051.4 (MANE Select); coding-DNA position 9024, T replaced by C.
Protein change: p.Arg3008=; no amino-acid change (arginine 3008 retained).
Molecular consequence: synonymous variant. On other transcripts: intron variant (2).
Genome position (GRCh38, 1-based): chr11:108,365,361, T>C. VCF-style: chr11-108365361-T-C. GRCh37 (hg19) VCF-style: chr11-108236088-T-C.
Other names: c.9024T>C, p.Arg3008= (NM_001351834.2); c.640+20559A>G (NM_001330368.2); c.694+20559A>G (NM_001351110.2).
Identifiers: ClinVar variation 229762 (VCV000229762.19), dbSNP rs876658179, ClinGen allele CA10579337.

ClinVar aggregate classification (germline): Benign/Likely benign. Review status: criteria provided, multiple submitters, no conflicts (2 of 4 stars). 6 submissions from 6 submitters: Benign (1); Likely benign (4). 1 of the submissions does not count toward it. Last evaluated 2025-11-10.

Conditions:
ATM-related disorder. Also called: ATM-related disorders; ATM-related condition.
Hereditary cancer-predisposing syndrome. Also called: Neoplastic Syndromes, Hereditary; Hereditary neoplastic syndrome; Tumor predisposition; Hereditary Cancer Syndrome. Identifiers: Orphanet 140162, MedGen C0027672, MeSH D009386, MONDO:0015356.
Ataxia-telangiectasia syndrome (AT). Also called: Ataxia telangiectasia (A-T); Cerebello-oculocutaneous telangiectasia; Immunodeficiency with ataxia telangiectasia; LOUIS-BAR SYNDROME; AT, COMPLEMENTATION GROUP C; ATAXIA-TELANGIECTASIA, FRESNO VARIANT. Identifiers: Orphanet 100, MedGen C0004135, MONDO:0008840, OMIM 208900.
Familial cancer of breast. Also called: hereditary breast carcinoma; Hereditary breast cancer; BREAST CANCER, FAMILIAL. Identifiers: Orphanet 227535, MedGen C0346153, MONDO:0016419, OMIM 114480. Disease mechanism: loss of function.

Allele frequency attached by ClinVar (database versions not stated): gnomAD exomes below 0.00001.
gnomAD v4.1: 4 of 1,614,212 alleles (0.00025%); highest among the groups gnomAD compares: Non-Finnish European, 0.00034%; no homozygotes.

Submissions (6):

Labcorp Genetics (formerly Invitae), Labcorp
Classification: Likely benign for Ataxia-telangiectasia syndrome. Last evaluated: 2025-11-10. Review status: criteria provided, single submitter. Criteria: Invitae Variant Classification Sherloc (09022015). Collection method: clinical testing. Allele origin: germline.

Myriad Genetics, Inc.
Classification: Benign for Familial cancer of breast. Last evaluated: 2024-06-24. Review status: criteria provided, single submitter. Criteria: Myriad Autosomal Dominant, Autosomal Recessive and X-Linked Classification Criteria (2023). Collection method: clinical testing. Allele origin: unknown.
Comment: This variant is considered benign. This variant is a silent/synonymous amino acid change and it is not expected to impact splicing.

Color Diagnostics, LLC DBA Color Health
Classification: Likely benign for Hereditary cancer-predisposing syndrome. Last evaluated: 2022-01-24. Review status: criteria provided, single submitter. Criteria: ACMG Guidelines, 2015. Collection method: clinical testing. Allele origin: germline.

GeneDx
Classification: Likely benign. Last evaluated: 2017-04-14. Review status: criteria provided, single submitter. Criteria: GeneDx Variant Classification (06012015). Collection method: clinical testing. Allele origin: germline. Affected: yes.
Comment: This variant is considered likely benign or benign based on one or more of the following criteria: it is a conservative change, it occurs at a poorly conserved position in the protein, it is predicted to be benign by multiple in silico algorithms, and/or has population frequency not consistent with disease.

Ambry Genetics
Classification: Likely benign for Hereditary cancer-predisposing syndrome. Last evaluated: 2014-11-25. Review status: criteria provided, single submitter. Criteria: Ambry Variant Classification Scheme 2023. Collection method: clinical testing. Allele origin: germline.

PreventionGenetics, part of Exact Sciences
Classification: Likely benign for ATM-related condition. Last evaluated: 2019-11-14. Review status: no assertion criteria provided. Collection method: clinical testing. Allele origin: germline. Not counted in ClinVar's aggregate classification.
Comment: This variant is classified as likely benign based on ACMG/AMP sequence variant interpretation guidelines (Richards et al. 2015 PMID: 25741868, with internal and published modifications).